The following is an entry in ClinVar:

ClinVar aggregate classification (germline): Benign. Review status: reviewed by expert panel (3 of 4 stars). 2 submissions from 2 submitters: Benign (1). 1 of the submissions does not count toward it. Last evaluated 2025-07-23.

Conditions:
Autosomal recessive limb-girdle muscular dystrophy. Identifiers: Orphanet 102015, MedGen C2931907, MONDO:0015152.

Allele frequency attached by ClinVar (database versions not stated): 1000 Genomes Project 0.05052; 1000 Genomes Project 30x 0.05387; gnomAD 0.06065 and 0.06163; TOPMed 0.06438.
gnomAD v4.1: 9,356 of 152,256 alleles (6.1%); highest among the groups gnomAD compares: Admixed American, 12%; 428 homozygotes.

Submissions (2):

ClinGen Limb Girdle Muscular Dystrophy Variant Curation Expert Panel, ClinGen
Classification: Benign for Autosomal recessive limb-girdle muscular dystrophy. Last evaluated: 2025-07-23. Review status: reviewed by expert panel. Criteria: ClinGen LGMD VCEP ACMG Specifications DYSF V1.0.0. Collection method: curation. Allele origin: germline. Inheritance: Autosomal recessive inheritance.
Comment: The NM_003494.4: c.5668-913C>T variant in DYSF, which is also known as NM_001130987.2: c.5785-913C>T, is located in intron 50 and is not expected to alter the amino acid sequence. This variant was identified in the fibroblasts of a presumably healthy individual (PMID: 31019989; PM3 not met). The filtering allele frequency for this variant in gnomAD v4.1.0 genomes is 0.1166 (the lower bound of the 95% CI of 1854/15294 Admixed American chromosomes), which is higher than the LGMD VCEP threshold for BA1 (0.003), meeting this criterion (BA1). In addition, this variant is not located in a splice region and is not predicted to impact splicing (SpliceAI score 0) (BP4, BP7). In summary, this variant meets the criteria to be classified as Benign for autosomal recessive limb girdle muscular dystrophy based on the ACMG/AMP criteria applied, as specified by the ClinGen LGMD VCEP (LGMD VCEP specifications version 1.0.0; 07/23/2025): BA1, BP4, BP7.

GeneDx
Classification: Benign. Last evaluated: 2021-05-11. Review status: criteria provided, single submitter. Criteria: GeneDx Variant Classification Process June 2021. Collection method: clinical testing. Allele origin: germline. Affected: yes. Not counted in ClinVar's aggregate classification.

NM_001130987.2(DYSF):c.5785-913C>T

Genes: DYSF (dysferlin; plus strand), LOC110121121 (VISTA enhancer hs1479; plus strand). Cytogenetic location: 2p13.2.
Variant type: single nucleotide variant.
Coding change: c.5785-913C>T on transcript NM_001130987.2 (MANE Select); 913 bases into the intron before coding-DNA position 5785, C replaced by T.
Molecular consequence: intron variant.
Genome position (GRCh38, 1-based): chr2:71,673,284, C>T. VCF-style: chr2-71673284-C-T. GRCh37 (hg19) VCF-style: chr2-71900414-C-T.
Other names: c.5761-913C>T (NM_001130979.2); c.5782-913C>T (NM_001130981.2); c.5719-913C>T (NM_001130980.2); c.5731-913C>T (NM_001130978.2); c.5668-913C>T (NM_003494.4); c.5689-913C>T (NM_001130977.2); c.5626-913C>T (NM_001130976.2); c.5764-913C>T (NM_001130982.2); and 5 more.
Identifiers: ClinVar variation 1175419 (VCV001175419.3), dbSNP rs72829766, ClinGen allele CA11154932.